The following is an entry in ClinVar:

ClinVar aggregate classification (germline): Uncertain significance (1 of 4 stars; one submission).

Conditions:
Wilson disease (WND). Also called: Wilson's disease. Identifiers: Orphanet 905, MedGen C0019202, MONDO:0010200, OMIM 277900. Disease mechanism: loss of function.

Allele frequency attached by ClinVar (database versions not stated): gnomAD exomes below 0.00001.

Submission:

All of Us Research Program, National Institutes of Health
Classification: Uncertain significance for Wilson disease. Last evaluated: 2023-08-15. Review status: criteria provided, single submitter. Criteria: ACMG Guidelines, 2015. Collection method: clinical testing. Allele origin: germline. Inheritance: Autosomal recessive inheritance. Observed: 1 variant allele, 1 heterozygote.
Comment: This missense variant replaces isoleucine with leucine at codon 1321 of the ATP7B protein. Computational prediction suggests that this variant may have deleterious impact on protein structure and function (internally defined REVEL score threshold >= 0.7, PMID: 27666373). To our knowledge, functional studies have not been reported for this variant. This variant has not been reported in individuals affected with ATP7B-related disorders in the literature. This variant has not been identified in the general population by the Genome Aggregation Database (gnomAD). The available evidence is insufficient to determine the role of this variant in disease conclusively. Therefore, this variant is classified as a Variant of Uncertain Significance.

This study involves interpretation of variants in research participants for the purpose of population health screening. Participant phenotype was not available at the time of variant classification. Additional details can be found in publication PMID: 35346344, PMCID: PMC8962531

NM_000053.4(ATP7B):c.3961A>T (p.Ile1321Leu)

Gene: ATP7B (ATPase copper transporting beta; minus strand). Cytogenetic location: 13q14.3.
Variant type: single nucleotide variant.
Coding change: c.3961A>T on transcript NM_000053.4 (MANE Select); coding-DNA position 3961, A replaced by T.
Protein change: p.Ile1321Leu; replaces isoleucine 1321 with leucine.
Molecular consequence: missense variant.
Genome position (GRCh38, 1-based): chr13:51,937,336, T>A on the plus strand (A>T on the coding strand, the complement: ATP7B is on the minus strand). VCF-style: chr13-51937336-T-A. GRCh37 (hg19) VCF-style: chr13-52511472-T-A.
Other names: c.3514A>T, p.Ile1172Leu (NM_001406540.1); c.3475A>T, p.Ile1159Leu (NM_001406541.1, NM_001406542.1); c.3469A>T, p.Ile1157Leu (NM_001406543.1); c.3379A>T, p.Ile1127Leu (NM_001406544.1); c.3313A>T, p.Ile1105Leu (NM_001406545.1); c.3280A>T, p.Ile1094Leu (NM_001406546.1); c.3118A>T, p.Ile1040Leu (NM_001406547.1); c.2671A>T, p.Ile891Leu (NM_001406548.1); and 21 more; short protein forms I1040L, I1094L, I1105L, I1114L, I1127L, I1157L, I1159L, I1172L.
Identifiers: ClinVar variation 3072779 (VCV003072779.1), dbSNP rs1406259441, ClinGen allele CA388021057.